The following is an entry in ClinVar:

ClinVar aggregate classification (germline): Uncertain significance. Review status: criteria provided, multiple submitters, no conflicts (2 of 4 stars). 4 submissions from 4 submitters: Uncertain significance (4). Last evaluated 2024-09-18.

Allele frequency attached by ClinVar (database versions not stated): gnomAD 0.00005; gnomAD exomes 0.00008; TOPMed 0.00008; ExAC 0.00011.
gnomAD v4.1: 90 of 1,604,618 alleles (0.0056%); highest among the groups gnomAD compares: Middle Eastern, 0.05%; 2 homozygotes.

Submissions (4):

Blueprint Genetics
Classification: Uncertain significance. Last evaluated: 2024-09-18. Review status: criteria provided, single submitter. Criteria: ACMG Guidelines, 2015. Collection method: clinical testing. Allele origin: germline.

Labcorp Genetics (formerly Invitae), Labcorp
Classification: Uncertain significance. Last evaluated: 2022-02-25. Review status: criteria provided, single submitter. Criteria: Invitae Variant Classification Sherloc (09022015). Collection method: clinical testing. Allele origin: germline.
Comment: This sequence change replaces arginine, which is basic and polar, with histidine, which is basic and polar, at codon 1020 of the FRAS1 protein (p.Arg1020His). This variant is present in population databases (rs773906563, gnomAD 0.04%), including at least one homozygous and/or hemizygous individual. This variant has not been reported in the literature in individuals affected with FRAS1-related conditions. Algorithms developed to predict the effect of missense changes on protein structure and function output the following: SIFT: "Tolerated"; PolyPhen-2: "Benign"; Align-GVGD: "Class C0". The histidine amino acid residue is found in multiple mammalian species, which suggests that this missense change does not adversely affect protein function. In summary, the available evidence is currently insufficient to determine the role of this variant in disease. Therefore, it has been classified as a Variant of Uncertain Significance.

Genetic Services Laboratory, University of Chicago
Classification: Uncertain significance. Last evaluated: 2020-07-09. Review status: criteria provided, single submitter. Criteria: ACMG Guidelines, 2015. Collection method: clinical testing. Allele origin: germline. Affected: no.
Comment: DNA sequence analysis of the FRAS1 gene demonstrated a sequence change, c.3059G>A, in exon 25 that results in an amino acid change, p.Arg1020His. This sequence change does not appear to have been previously described in patients with FRAS1-related disorders and has been described in the gnomAD database with a frequency of 0.045% in the African sub-population (dbSNP rs773906563). The p.Arg1020His change affects a highly conserved amino acid residue located in a domain of the FRAS1 protein that is known to be functional. The p.Arg1020His substitution appears to be benign using several in-silico pathogenicity prediction tools (SIFT, PolyPhen2, Align GVGD, REVEL). Due to the lack of functional studies, the clinical significance of the p.Arg1020His change remains unknown at this time.

Breakthrough Genomics
Classification: Uncertain significance. Review status: criteria provided, single submitter. Criteria: ACMG Guidelines, 2015. Collection method: not provided. Allele origin: germline. Inheritance: Autosomal recessive inheritance. Affected: yes.

NM_025074.7(FRAS1):c.3059G>A (p.Arg1020His)

Gene: FRAS1 (Fraser extracellular matrix complex subunit 1; plus strand). Cytogenetic location: 4q21.21.
Variant type: single nucleotide variant.
Coding change: c.3059G>A on transcript NM_025074.7 (MANE Select); coding-DNA position 3059, G replaced by A.
Protein change: p.Arg1020His; replaces arginine 1020 with histidine.
Molecular consequence: missense variant.
Genome position (GRCh38, 1-based): chr4:78,374,159, G>A. VCF-style: chr4-78374159-G-A. GRCh37 (hg19) VCF-style: chr4-79295313-G-A.
Other names: c.3059G>A, p.Arg1020His (NM_001166133.2); short protein forms R1020H.
Identifiers: ClinVar variation 1337648 (VCV001337648.7), dbSNP rs773906563, ClinGen allele CA2976814.